The following is an entry in ClinVar:

NM_177438.3(DICER1):c.1986A>G (p.Thr662=)

Gene: DICER1 (dicer 1, ribonuclease III; minus strand). Cytogenetic location: 14q32.13.
Variant type: single nucleotide variant.
Coding change: c.1986A>G on transcript NM_177438.3 (MANE Select); coding-DNA position 1986, A replaced by G.
Protein change: p.Thr662=; no amino-acid change (threonine 662 retained).
Molecular consequence: synonymous variant. On other transcripts: non-coding transcript variant (6).
Genome position (GRCh38, 1-based): chr14:95,113,146, T>C on the plus strand (A>G on the coding strand, the complement: DICER1 is on the minus strand). VCF-style: chr14-95113146-T-C. GRCh37 (hg19) VCF-style: chr14-95579483-T-C.
Other names: c.1986A>G, p.Thr662= (NM_001195573.1, NM_001271282.3, NM_001291628.2 and 12 more transcripts); c.1704A>G, p.Thr568= (NM_001395686.1); c.1581A>G, p.Thr527= (NM_001395687.1, NM_001395688.1, NM_001395689.1 and 3 more transcripts); c.1419A>G, p.Thr473= (NM_001395691.1); c.303A>G, p.Thr101= (NM_001395697.1).
Identifiers: ClinVar variation 4716168 (VCV004716168.1).

ClinVar aggregate classification (germline): Uncertain significance (1 of 4 stars; one submission).

Conditions:
DICER1-related tumor predisposition. Also called: DICER1 syndrome; DICER1-related pleuropulmonary blastoma cancer predisposition syndrome. Identifiers: Orphanet 284343, MedGen C3839822, MONDO:0100216.

Submission:

Labcorp Genetics (formerly Invitae), Labcorp
Classification: Uncertain significance for DICER1-related tumor predisposition. Last evaluated: 2025-04-01. Review status: criteria provided, single submitter. Criteria: Invitae Variant Classification Sherloc (09022015). Collection method: clinical testing. Allele origin: germline.
Comment: This sequence change affects codon 662 of the DICER1 mRNA. It is a 'silent' change, meaning that it does not change the encoded amino acid sequence of the DICER1 protein. This variant is not present in population databases (gnomAD no frequency). This variant has not been reported in the literature in individuals affected with DICER1-related conditions. Algorithms developed to predict the effect of sequence changes on RNA splicing suggest that this variant may disrupt the consensus splice site. In summary, the available evidence is currently insufficient to determine the role of this variant in disease. Therefore, it has been classified as a Variant of Uncertain Significance.